The following is an entry in ClinVar:

NM_017446.4(MRPL39):c.898G>T (p.Val300Leu)

Gene: MRPL39 (mitochondrial ribosomal protein L39; minus strand). Cytogenetic location: 21q21.3.
Variant type: single nucleotide variant.
Coding change: c.898G>T on transcript NM_017446.4 (MANE Select); coding-DNA position 898, G replaced by T.
Protein change: p.Val300Leu; replaces valine 300 with leucine.
Molecular consequence: missense variant.
Genome position (GRCh38, 1-based): chr21:25,592,835, C>A on the plus strand (G>T on the coding strand, the complement: MRPL39 is on the minus strand). VCF-style: chr21-25592835-C-A. GRCh37 (hg19) VCF-style: chr21-26965147-C-A.
Other names: c.898G>T, p.Val300Leu (NM_080794.4); short protein forms V300L.
Identifiers: ClinVar variation 4821314 (VCV004821314.4).
Genomic context (GRCh38, chr21:25,592,835, plus strand): 5'-CCAAATTGGAAGACCTAGAACTTTAAGCTTTACTTACTCTTAAGTGAACAGGTAAAGACA[C>A]GCCCTGGAATCTTCGTATGAGACTTGGCTGGGTGGGTTGAAGATTGTGAACTGCTGATAC-3'
Protein context (NP_059142.3, residues 290-310): QPSLIRRFQG[Val300Leu]SLPVHLRAHF

ClinVar aggregate classification (germline): Likely benign (1 of 4 stars; one submission).

gnomAD v4.1: 489 of 1,611,944 alleles (0.03%); highest among the groups gnomAD compares: African/African-American, 0.59%; 1 homozygote.

Submission:

CeGaT Center for Human Genetics Tuebingen
Classification: Likely benign. Last evaluated: 2026-03-01. Review status: criteria provided, single submitter. Criteria: CeGaT Center For Human Genetics Tuebingen Variant Classification Criteria Version 2. Collection method: clinical testing. Allele origin: germline. Affected: yes. Observed: 1 variant allele.
Comment: MRPL39: BP4, BS2